The following is an entry in ClinVar:

ClinVar aggregate classification (germline): Likely pathogenic (1 of 4 stars; one submission).

Conditions:
Plasma factor XI deficiency.

gnomAD v4.1: 1 of 1,614,102 alleles (0.000062%); highest among the groups gnomAD compares: East Asian, 0.0022%; no homozygotes.

Submission:

Natera, Inc.
Classification: Likely pathogenic for Plasma factor XI deficiency. Last evaluated: 2025-12-30. Review status: criteria provided, single submitter. Criteria: Natera Variant Classification Schema (03/2026). Collection method: clinical testing. Allele origin: germline.
Comment: The c.1028+1G>C variant in F11 is a canonical splice donor site variant predicted to affect pre-mRNA splicing, which may result in an abnormal transcript and altered protein product. This variant is expected to result in nonsense mediated decay, truncation, or a dysfunctional protein product. This variant is rare in the general population with a frequency below the threshold expected for the associated phenotype(s). Given the available evidence, this variant is classified as Likely Pathogenic.

NM_000128.4(F11):c.1028+1G>C

Gene: F11 (coagulation factor XI; plus strand). Cytogenetic location: 4q35.2.
Variant type: single nucleotide variant.
Coding change: c.1028+1G>C on transcript NM_000128.4 (MANE Select); the canonical splice donor site of the intron after coding-DNA position 1028, G replaced by C.
Molecular consequence: splice donor variant.
Genome position (GRCh38, 1-based): chr4:186,280,386, G>C. VCF-style: chr4-186280386-G-C. GRCh37 (hg19) VCF-style: chr4-187201540-G-C.
Other names: c.1028+1G>C (NM_001440593.1); c.980+1G>C (NM_001440590.1, NM_001440596.1); c.758+1G>C (NM_001440605.1, NM_001440607.1); c.710+1G>C (NM_001440606.1, NM_001440608.1).
Identifiers: ClinVar variation 4817479 (VCV004817479.1).